The following is an entry in ClinVar:

ClinVar aggregate classification (germline): Uncertain significance (1 of 4 stars; one submission).

Conditions:
Hereditary cancer-predisposing syndrome. Also called: Neoplastic Syndromes, Hereditary; Tumor predisposition; Hereditary neoplastic syndrome; Hereditary Cancer Syndrome. Identifiers: Orphanet 140162, MedGen C0027672, MeSH D009386, MONDO:0015356.

Submission:

Ambry Genetics
Classification: Uncertain significance for Hereditary cancer-predisposing syndrome. Last evaluated: 2023-10-03. Review status: criteria provided, single submitter. Criteria: Ambry Variant Classification Scheme 2023. Collection method: clinical testing. Allele origin: germline.
Comment: The p.V466M variant (also known as c.1396G>A), located in coding exon 3 of the MET gene, results from a G to A substitution at nucleotide position 1396. The valine at codon 466 is replaced by methionine, an amino acid with highly similar properties. This amino acid position is highly conserved in available vertebrate species. In addition, the in silico prediction for this alteration is inconclusive. Since supporting evidence is limited at this time, the clinical significance of this alteration remains unclear.

NM_000245.4(MET):c.1396G>A (p.Val466Met)

Gene: MET (MET proto-oncogene, receptor tyrosine kinase; plus strand). Cytogenetic location: 7q31.2.
Variant type: single nucleotide variant.
Coding change: c.1396G>A on transcript NM_000245.4 (MANE Select); coding-DNA position 1396, G replaced by A.
Protein change: p.Val466Met; replaces valine 466 with methionine.
Molecular consequence: missense variant.
Genome position (GRCh38, 1-based): chr7:116,739,953, G>A. VCF-style: chr7-116739953-G-A. GRCh37 (hg19) VCF-style: chr7-116380007-G-A.
Other names: c.1396G>A, p.Val466Met (NM_001127500.3, NM_001324401.3); c.106G>A, p.Val36Met (NM_001324402.2); short protein forms V36M, V466M.
Identifiers: ClinVar variation 3232909 (VCV003232909.1), dbSNP rs2116825597, ClinGen allele CA368974011.